The following is an entry in ClinVar:

ClinVar aggregate classification (germline): Likely pathogenic (1 of 4 stars; one submission).

Conditions:
3M syndrome 1. Also called: 3-M Syndrome, CUL7-Related. Identifiers: Orphanet 2616, MedGen C2678312, MONDO:0010117, OMIM 273750.

Submission:

Juno Genomics, Hangzhou Juno Genomics, Inc
Classification: Likely pathogenic for 3M syndrome 1. Review status: criteria provided, single submitter. Criteria: ACMG Guidelines, 2015. Collection method: clinical testing. Allele origin: germline. Affected: yes.
Comment: Null variant in a gene where loss of function (LOF) is a known mechanism of disease.;Absent from controls (or at extremely low frequency if recessive) in Genome Aggregation Database, Exome Sequencing Project, 1000 Genomes Project, or Exome Aggregation Consortium.

NM_014780.5(CUL7):c.175_179del (p.Asp59fs)

Gene: CUL7 (cullin 7; minus strand). Cytogenetic location: 6p21.1.
Variant type: Deletion.
Coding change: c.175_179del on transcript NM_014780.5 (MANE Select); coding-DNA positions 175 to 179, 5 bases deleted (GACTG; older notation c.175_179delGACTG).
Protein change: p.Asp59fs; shifts the reading frame from aspartic acid 59.
Molecular consequence: frameshift variant.
Genome position (GRCh38, 1-based): chr6:43,052,610-43,052,614, CAGTC deleted on the plus strand (GACTG on the coding strand, the reverse complement: CUL7 is on the minus strand); deleting any 5 consecutive bases within chr6:43,052,610-43,052,616 gives the same sequence; the c. name uses the placement nearest the transcript's 3' end. VCF-style (leftmost placement, unchanged base first): chr6-43052609-GCAGTC-G. GRCh37 (hg19) VCF-style: chr6-43020347-GCAGTC-G.
Other names: c.175_179del, p.Asp59fs (NM_001168370.2, NM_001374872.1, NM_001374873.1 and 1 more transcripts); short protein forms D59fs.
Identifiers: ClinVar variation 3382093 (VCV003382093.2).